The following is an entry in ClinVar:

ClinVar aggregate classification (germline): Uncertain significance. Review status: criteria provided, multiple submitters, no conflicts (2 of 4 stars). 2 submissions from 2 submitters: Uncertain significance (2). Last evaluated 2025-10-10.

Conditions:
Primary open angle glaucoma (POAG). Also called: OPTN-related open angle glaucoma. Identifiers: MedGen C0339573, MONDO:0100553, OMIM 137760.
Amyotrophic lateral sclerosis type 12 (ALS12). Also called: AMYOTROPHIC LATERAL SCLEROSIS 12 WITH OR WITHOUT FRONTOTEMPORAL DEMENTIA. Identifiers: Orphanet 803, MedGen C3150692, MONDO:0013264, OMIM 613435.
Glaucoma 1, open angle, E. Identifiers: MedGen C1842026, MONDO:0007665.

gnomAD v4.1: 27 of 1,613,984 alleles (0.0017%); highest among the groups gnomAD compares: African/African-American, 0.019%; no homozygotes.

Submissions (2):

Mayo Clinic Laboratories, Mayo Clinic
Classification: Uncertain significance. Last evaluated: 2025-10-10. Review status: criteria provided, single submitter. Criteria: ACMG Guidelines, 2015. Collection method: clinical testing. Allele origin: germline. Observed: 1 variant allele.
Comment: BP4

Labcorp Genetics (formerly Invitae), Labcorp
Classification: Uncertain significance for Primary open angle glaucoma; Glaucoma 1, open angle, E; Amyotrophic lateral sclerosis type 12. Last evaluated: 2025-09-07. Review status: criteria provided, single submitter. Criteria: Invitae Variant Classification Sherloc (09022015). Collection method: clinical testing. Allele origin: germline.
Comment: This sequence change replaces glutamic acid, which is acidic and polar, with lysine, which is basic and polar, at codon 11 of the OPTN protein (p.Glu11Lys). This variant is present in population databases (rs184878637, gnomAD 0.008%). This variant has not been reported in the literature in individuals affected with OPTN-related conditions. An algorithm developed to predict the effect of missense changes on protein structure and function (PolyPhen-2) suggests that this variant is likely to be tolerated. In summary, the available evidence is currently insufficient to determine the role of this variant in disease. Therefore, it has been classified as a Variant of Uncertain Significance.

NM_001008212.2(OPTN):c.31G>A (p.Glu11Lys)

Genes: OPTN (optineurin; plus strand), LOC108903148 (10p13 OPTN distal Alu-mediated recombination region; plus strand). Cytogenetic location: 10p13.
Variant type: single nucleotide variant.
Coding change: c.31G>A on transcript NM_001008212.2 (MANE Select); coding-DNA position 31, G replaced by A.
Protein change: p.Glu11Lys; replaces glutamic acid 11 with lysine.
Molecular consequence: missense variant.
Genome position (GRCh38, 1-based): chr10:13,109,153, G>A. VCF-style: chr10-13109153-G-A. GRCh37 (hg19) VCF-style: chr10-13151153-G-A.
Other names: p.Glu11Lys; c.31G>A, p.Glu11Lys (NM_001008211.1, NM_001008213.1, NM_021980.4); short protein forms E11K.
Identifiers: ClinVar variation 4541525 (VCV004541525.2).
Genomic context (GRCh38, chr10:13,109,153, plus strand): 5'-ACAGGTGACTTTTCCACAGGAACTTCTGCAATGTCCCATCAACCTCTCAGCTGCCTCACT[G>A]AAAAGGAGGACAGCCCCAGTGAAAGCACAGGAAATGGACCCCCCCACCTGGCCCACCCAA-3'
Protein context (NP_001008213.1, residues 1-21): MSHQPLSCLT[Glu11Lys]KEDSPSESTG